The following is an entry in ClinVar:

ClinVar aggregate classification (germline): Pathogenic. Review status: criteria provided, multiple submitters, no conflicts (2 of 4 stars). 18 submissions from 18 submitters: Pathogenic (14). 4 of the submissions do not count toward it. Last evaluated 2025-11-01.

Conditions:
Canavan Disease, Familial Form. Identifiers: MedGen C0751663.
ASPA-related disorder. Also called: ASPA-related condition.
Inborn genetic diseases. Identifiers: MedGen C0950123, MeSH D030342.
Spongy degeneration of central nervous system. Also called: Von Bogaert-Bertrand disease; ACY2 DEFICIENCY; AMINOACYLASE 2 DEFICIENCY; ASP DEFICIENCY; ASPA DEFICIENCY; ASPARTOACYLASE DEFICIENCY. Identifiers: Orphanet 141, MedGen C0206307, MONDO:0010079, OMIM 271900.

gnomAD v4.1: 67 of 1,612,170 alleles (0.0042%); highest among the groups gnomAD compares: Non-Finnish European, 0.0019%; no homozygotes.

Submissions 1 to 11 of 18:

Labcorp Genetics (formerly Invitae), Labcorp
Classification: Pathogenic for Spongy degeneration of central nervous system. Last evaluated: 2025-11-01. Review status: criteria provided, single submitter. Criteria: Invitae Variant Classification Sherloc (09022015). Collection method: clinical testing. Allele origin: germline.
Comment: This sequence change creates a premature translational stop signal (p.Tyr231*) in the ASPA gene. It is expected to result in an absent or disrupted protein product. Loss-of-function variants in ASPA are known to be pathogenic (PMID: 12638939). This variant is present in population databases (rs12948217, gnomAD 0.1%). This premature translational stop signal has been observed in individuals with Canavan disease (PMID: 8023850, 8659549, 10909858). It is commonly reported in individuals of Ashkenazi Jewish ancestry (PMID: 8023850, 8659549, 10909858). ClinVar contains an entry for this variant (Variation ID: 2609). For these reasons, this variant has been classified as Pathogenic.

Victorian Clinical Genetics Services, Murdoch Childrens Research Institute
Classification: Pathogenic for Spongy degeneration of central nervous system. Last evaluated: 2025-10-27. Review status: criteria provided, single submitter. Criteria: ACMG Guidelines, 2015. Collection method: clinical testing. Allele origin: germline.
Comment: This variant is classified as Pathogenic. Evidence in support of pathogenic classification: Variant is predicted to result in a truncated protein (premature termination codon is NOT located at least 54 nucleotides upstream of the final exon-exon junction) with less than 1/3 of the protein sequence affected; Variant is present in gnomAD <0.01 for a recessive condition (v4: 67 heterozygote(s), 0 homozygote(s)); This variant has strong previous evidence of pathogenicity in unrelated individuals. This variant has been classified as pathogenic by multiple clinical laboratories (ClinVar). It is a common variant reported in the Ashkenazi Jewish population and has been reported in at least one compound heterozygous individual with Canavan disease (PMID: 34011350, 25668701); Other protein truncating variant(s) comparable to the one identified in this case have very strong previous evidence for pathogenicity (DECIPHER). Additional information: This variant is heterozygous; This gene is associated with autosomal recessive disease; Loss of function is a known mechanism of disease in this gene and is associated with Canavan disease (MIM#271900).

Dasa
Classification: Pathogenic. Last evaluated: 2025-08-11. Review status: criteria provided, single submitter. Criteria: DASA Assertion Criteria. Collection method: clinical testing. Allele origin: germline.
Comment: NM_000049.4(ASPA):c.693C>A (p.Tyr231Ter) introduces a premature termination codon predicted to result in loss of normal protein function. Loss-of-function is an established mechanism of disease for this gene. This variant has been observed in affected individuals with related phenotype in a genotype context consistent with recessive disease (PMID: 8659549; PMID: 10909858). This variant has been recurrently observed in individuals with related phenotype (PMID: 8659549; PMID: 10909858). The variant is present at low frequency in population datasets. Based on the available data, this variant is classified as pathogenic.

3billion
Classification: Pathogenic for Spongy degeneration of central nervous system. Last evaluated: 2024-11-26. Review status: criteria provided, single submitter. Criteria: ACMG Guidelines, 2015. Collection method: clinical testing. Allele origin: germline. Affected: yes.
Comment: The variant is observed at an extremely low frequency in the gnomAD v4.1.0 dataset (total allele frequency: 0.004%). Predicted Consequence/Location: Stop-gained (nonsense): predicted to result in a loss or disruption of normal protein function through nonsense-mediated decay (NMD) or protein truncation. Multiple pathogenic variants are reported downstream of the variant. The variant has been reported at least twice as pathogenic with clinical assertions and evidence for the classification (ClinVar ID: VCV000002609 /PMID: 8023850). Therefore, this variant is classified as Pathogenic according to the recommendation of ACMG/AMP guideline.

Blueprint Genetics
Classification: Pathogenic for ASPA-related disorders. Last evaluated: 2024-07-01. Review status: criteria provided, single submitter. Criteria: ACMG Guidelines, 2015. Collection method: clinical testing. Allele origin: germline. Affected: yes. Observed: 5 variant alleles.

Fulgent Genetics
Classification: Pathogenic for Spongy degeneration of central nervous system. Last evaluated: 2024-01-22. Review status: criteria provided, single submitter. Criteria: ACMG Guidelines, 2015. Collection method: clinical testing. Allele origin: germline.

Ambry Genetics
Classification: Pathogenic for Inborn genetic diseases. Last evaluated: 2023-12-13. Review status: criteria provided, single submitter. Criteria: Ambry Variant Classification Scheme 2023. Collection method: clinical testing. Allele origin: germline.
Comment: The c.693C>A (p.Y231*) alteration, located in exon 5 (coding exon 5) of the ASPA gene, consists of a C to A substitution at nucleotide position 693. This changes the amino acid from a tyrosine (Y) to a stop codon at amino acid position 231. This alteration occurs at the 3' terminus of the ASPA gene, is not expected to trigger nonsense-mediated mRNA decay, and only impacts the last 26% of the protein. However, premature stop codons are typically deleterious in nature, a significant portion of the protein is affected, and the impacted region is critical for protein function (Ambry internal data). Based on data from gnomAD, the A allele has an overall frequency of 0.005% (15/282702) total alleles studied. The highest observed frequency was 0.135% (14/10368) of Ashkenazi Jewish alleles. This alteration was detected in the homozygous state, and in conjunction with another alteration in ASPA, in multiple individuals with Canavan Disease (Kaul, 1994; Yaron, 2005; Nguyen, 2015). In an in vitro assay testing ASPA function, this variant was reported as not expressing any measurable activity (Kaul, 1994). Based on the available evidence, this alteration is classified as pathogenic.

GeneDx
Classification: Pathogenic. Last evaluated: 2022-09-08. Review status: criteria provided, single submitter. Criteria: GeneDx Variant Classification Process June 2021. Collection method: clinical testing. Allele origin: germline. Affected: yes.
Comment: Expression studies found that this variant causes complete loss of enzyme activity (Kaul et al., 1994); Nonsense variant in the C-terminus predicted to result in protein truncation, as the last 83 amino acids are lost, and other loss-of-function variants have been reported downstream in the Human Gene Mutation Database (HGMD); This variant is associated with the following publications: (PMID: 21228398, 25525159, 27535533, 25668701, 8023850)

Genome-Nilou Lab
Classification: Pathogenic for Spongy degeneration of central nervous system. Last evaluated: 2021-11-07. Review status: criteria provided, single submitter. Criteria: ACMG Guidelines, 2015. Collection method: clinical testing. Allele origin: germline. Affected: no.

Myriad Genetics, Inc.
Classification: Pathogenic for Spongy degeneration of central nervous system. Last evaluated: 2019-12-04. Review status: criteria provided, single submitter. Criteria: Myriad Women's Health Autosomal Recessive and X-Linked Classification Criteria (2019). Collection method: clinical testing. Allele origin: unknown.
Comment: NM_000049.2(ASPA):c.693C>A(Y231*) is classified as pathogenic in the context of Canavan disease. Sources cited for classification include the following: PMID 8023850. Classification of NM_000049.2(ASPA):c.693C>A(Y231*) is based on the following criteria: The variant causes a premature termination codon that is not expected to be targeted by nonsense-mediated mRNA decay; however, literature evidence strongly supports pathogenicity. Please note: this variant was assessed in the context of healthy population screening.

Illumina Laboratory Services, Illumina
Classification: Pathogenic for Spongy degeneration of central nervous system. Last evaluated: 2017-04-28. Review status: criteria provided, single submitter. Criteria: ICSL Variant Classification Criteria 09 May 2019. Collection method: clinical testing. Allele origin: germline.
Comment: The ASPA c.693C>A (p.Tyr231Ter) variant is a stop-gained variant and is predicted to terminate the protein prematurely. It has been reported in two studies and is found in a total of 13 individuals with Canavan disease including one in a homozygous state and 12 in a compound heterozygous state (Kaul et al. 1994; Kaul et al. 1996). All of the individuals except one were of Ashkenazi Jewish descent. Control data are unavailable for this variant, which is reported at a frequency of 0.00011 in the European (non-Finnish) population of the Exome Aggregation Consortium. Kaul et al. (1994) demonstrated a complete loss of ASPA activity when the p.Tyr231Ter variant was expressed in COS-1 cells. Based on the collective evidence, the p.Tyr231Ter variant is classified as pathogenic for Canavan disease. This variant was observed by ICSL as part of a predisposition screen in an ostensibly healthy population.

NM_000049.4(ASPA):c.693C>A (p.Tyr231Ter)

Genes: ASPA (aspartoacylase; plus strand), SPATA22 (spermatogenesis associated 22; minus strand). Cytogenetic location: 17p13.2.
Variant type: single nucleotide variant.
Coding change: c.693C>A on transcript NM_000049.4 (MANE Select); coding-DNA position 693, C replaced by A.
Protein change: p.Tyr231Ter; replaces tyrosine 231 with a stop codon.
Molecular consequence: nonsense. On other transcripts: intron variant (2).
Genome position (GRCh38, 1-based): chr17:3,494,408, C>A. VCF-style: chr17-3494408-C-A. GRCh37 (hg19) VCF-style: chr17-3397702-C-A.
Other names: c.693C>A, p.Tyr231Ter (NM_001128085.1); c.-74+19004G>T (NM_001321336.2, NM_001321337.2); short protein forms Y231*.
Identifiers: ClinVar variation 2609 (VCV000002609.133), dbSNP rs12948217, ClinGen allele CA340003.
Genomic context (GRCh38, chr17:3,494,408, plus strand): 5'-AGGAAAAGAATTTCCTCCCTGCGCCATTGAGGTCTATAAAATTATAGAGAAAGTTGATTA[C>A]CCCCGGGATGAAAATGGAGAAATTGCTGCTATCATCCATCCTAATCTGCAGGTAACATTT-3'